The following is an entry in ClinVar:

ClinVar aggregate classification (germline): Uncertain significance. Review status: criteria provided, multiple submitters, no conflicts (2 of 4 stars). 2 submissions from 2 submitters: Uncertain significance (2). Last evaluated 2026-03-21.

Conditions:
Inborn genetic diseases. Identifiers: MedGen C0950123, MeSH D030342.
Baller-Gerold syndrome (BGS). Also called: CRANIOSYNOSTOSIS WITH RADIAL DEFECTS. Identifiers: Orphanet 1225, MedGen C0265308, MONDO:0009039, OMIM 218600.

Allele frequency attached by ClinVar (database versions not stated): gnomAD exomes 0.00001; ExAC 0.00006.

Submissions (2):

Ambry Genetics
Classification: Uncertain significance for Inborn genetic diseases. Last evaluated: 2026-03-21. Review status: criteria provided, single submitter. Criteria: Ambry Variant Classification Scheme 2023. Collection method: clinical testing. Allele origin: germline.
Comment: The p.M632V variant (also known as c.1894A>G), located in coding exon 12 of the RECQL4 gene, results from an A to G substitution at nucleotide position 1894. The methionine at codon 632 is replaced by valine, an amino acid with highly similar properties. This amino acid position is conserved. In addition, this alteration is predicted to be tolerated by in silico analysis. Based on the available evidence, the clinical significance of this variant remains unclear.

Labcorp Genetics (formerly Invitae), Labcorp
Classification: Uncertain significance for Baller-Gerold syndrome. Last evaluated: 2023-11-21. Review status: criteria provided, single submitter. Criteria: Invitae Variant Classification Sherloc (09022015). Collection method: clinical testing. Allele origin: germline.
Comment: This sequence change replaces methionine, which is neutral and non-polar, with valine, which is neutral and non-polar, at codon 632 of the RECQL4 protein (p.Met632Val). This variant is present in population databases (rs745309255, gnomAD 0.01%). This variant has not been reported in the literature in individuals affected with RECQL4-related conditions. ClinVar contains an entry for this variant (Variation ID: 459353). Advanced modeling of protein sequence and biophysical properties (such as structural, functional, and spatial information, amino acid conservation, physicochemical variation, residue mobility, and thermodynamic stability) performed at Invitae indicates that this missense variant is not expected to disrupt RECQL4 protein function with a negative predictive value of 80%. In summary, the available evidence is currently insufficient to determine the role of this variant in disease. Therefore, it has been classified as a Variant of Uncertain Significance.

NM_004260.4(RECQL4):c.1894A>G (p.Met632Val)

Gene: RECQL4 (RecQ like helicase 4; minus strand). Cytogenetic location: 8q24.3.
Variant type: single nucleotide variant.
Coding change: c.1894A>G on transcript NM_004260.4 (MANE Select); coding-DNA position 1894, A replaced by G.
Protein change: p.Met632Val; replaces methionine 632 with valine.
Molecular consequence: missense variant.
Genome position (GRCh38, 1-based): chr8:144,514,092, T>C on the plus strand (A>G on the coding strand, the complement: RECQL4 is on the minus strand). VCF-style: chr8-144514092-T-C. GRCh37 (hg19) VCF-style: chr8-145739476-T-C.
Other names: short protein forms M632V.
Identifiers: ClinVar variation 459353 (VCV000459353.7), dbSNP rs745309255, ClinGen allele CA4948583.